The following is an entry in ClinVar:

ClinVar aggregate classification (germline): Likely pathogenic (1 of 4 stars; one submission).

Allele frequency attached by ClinVar (database versions not stated): gnomAD exomes below 0.00001; TOPMed below 0.00001.
gnomAD v4.1: 2 of 1,606,862 alleles (0.00012%); highest among the groups gnomAD compares: Admixed American, 0.0034%; no homozygotes.

Submission:

Labcorp Genetics (formerly Invitae), Labcorp
Classification: Likely pathogenic. Last evaluated: 2022-11-13. Review status: criteria provided, single submitter. Criteria: Invitae Variant Classification Sherloc (09022015). Collection method: clinical testing. Allele origin: germline.
Comment: This sequence change replaces aspartic acid, which is acidic and polar, with alanine, which is neutral and non-polar, at codon 486 of the SLC12A3 protein (p.Asp486Ala). This variant is present in population databases (no rsID available, gnomAD 0.006%). This variant has not been reported in the literature in individuals affected with SLC12A3-related conditions. Advanced modeling of protein sequence and biophysical properties (such as structural, functional, and spatial information, amino acid conservation, physicochemical variation, residue mobility, and thermodynamic stability) performed at Invitae indicates that this missense variant is expected to disrupt SLC12A3 protein function. This variant disrupts the p.Asp486 amino acid residue in SLC12A3. Other variant(s) that disrupt this residue have been determined to be pathogenic (PMID: 26121437, 26770037, 30084681, 30413979). This suggests that this residue is clinically significant, and that variants that disrupt this residue are likely to be disease-causing. In summary, the currently available evidence indicates that the variant is pathogenic, but additional data are needed to prove that conclusively. Therefore, this variant has been classified as Likely Pathogenic.

Literature cited by the submitters: PubMed 26121437; PubMed 26770037; PubMed 30084681; PubMed 30413979.

NM_001126108.2(SLC12A3):c.1457A>C (p.Asp486Ala)

Gene: SLC12A3 (solute carrier family 12 member 3; plus strand). Cytogenetic location: 16q13.
Variant type: single nucleotide variant.
Coding change: c.1457A>C on transcript NM_001126108.2 (MANE Select); coding-DNA position 1457, A replaced by C.
Protein change: p.Asp486Ala; replaces aspartic acid 486 with alanine.
Molecular consequence: missense variant.
Genome position (GRCh38, 1-based): chr16:56,880,143, A>C. VCF-style: chr16-56880143-A-C. GRCh37 (hg19) VCF-style: chr16-56914055-A-C.
Other names: c.1457A>C, p.Asp486Ala (NM_000339.3); c.1454A>C, p.Asp485Ala (NM_001126107.2, NM_001410896.1); short protein forms D486A, D485A.
Identifiers: ClinVar variation 2160768 (VCV002160768.4), dbSNP rs1447230772, ClinGen allele CA395987966.